The following is an entry in ClinVar:

ClinVar aggregate classification (germline): Uncertain significance (1 of 4 stars; one submission).

Conditions:
CHARGE syndrome (CHARGE). Also called: Hittner Hirsch Kreh syndrome; CHARGE ASSOCIATION--COLOBOMA, HEART ANOMALY, CHOANAL ATRESIA, RETARDATION, GENITAL AND EAR ANOMALIES; Coloboma, heart anomaly, choanal atresia, retardation, genital and ear anomalies; CHARGE association; Hall-Hittner syndrome. Identifiers: Orphanet 138, MedGen C0265354, MONDO:0008965.

gnomAD v4.1: 1 of 1,601,502 alleles (0.000062%); highest among the groups gnomAD compares: Non-Finnish European, 0.000085%; no homozygotes.

Submission:

Labcorp Genetics (formerly Invitae), Labcorp
Classification: Uncertain significance for CHARGE syndrome. Last evaluated: 2025-06-30. Review status: criteria provided, single submitter. Criteria: Invitae Variant Classification Sherloc (09022015). Collection method: clinical testing. Allele origin: germline.
Comment: This sequence change replaces glycine, which is neutral and non-polar, with glutamic acid, which is acidic and polar, at codon 898 of the CHD7 protein (p.Gly898Glu). This variant is not present in population databases (gnomAD no frequency). This variant has not been reported in the literature in individuals affected with CHD7-related conditions. Invitae Evidence Modeling of protein sequence and biophysical properties (such as structural, functional, and spatial information, amino acid conservation, physicochemical variation, residue mobility, and thermodynamic stability) indicates that this missense variant is not expected to disrupt CHD7 protein function with a negative predictive value of 80%. In summary, the available evidence is currently insufficient to determine the role of this variant in disease. Therefore, it has been classified as a Variant of Uncertain Significance.

NM_017780.4(CHD7):c.2693G>A (p.Gly898Glu)

Gene: CHD7 (chromodomain helicase DNA binding protein 7; plus strand). Cytogenetic location: 8q12.2.
Variant type: single nucleotide variant.
Coding change: c.2693G>A on transcript NM_017780.4 (MANE Select); coding-DNA position 2693, G replaced by A.
Protein change: p.Gly898Glu; replaces glycine 898 with glutamic acid.
Molecular consequence: missense variant. On other transcripts: intron variant (1).
Genome position (GRCh38, 1-based): chr8:60,820,086, G>A. VCF-style: chr8-60820086-G-A. GRCh37 (hg19) VCF-style: chr8-61732645-G-A.
Other names: c.1716+39036G>A (NM_001316690.1); short protein forms G898E.
Identifiers: ClinVar variation 4691429 (VCV004691429.1).
Genomic context (GRCh38, chr8:60,820,086, plus strand): 5'-ATCCAGATTATGTGGAGGTTGACCGGATAATGGACTTTGCACGTAGCACAGATGACCGGG[G>A]AGAGGTAACAGGAGATCATTTGTATTACAAAGTGGTGATTCAGGCAACCCATACATGTTT-3'
Protein context (NP_060250.2, residues 888-908): MDFARSTDDR[Gly898Glu]EPVTHYLVKW